The following is an entry in ClinVar:

NC_012920.1(MT-ND2):m.5268A>G

Gene: MT-ND2 (mitochondrially encoded NADH dehydrogenase 2; plus strand).
Variant type: single nucleotide variant.
Genome position: chrM-5268-A-G.
Identifiers: ClinVar variation 692563 (VCV000692563.1), dbSNP rs1603219860, ClinGen allele CA414779584.

ClinVar aggregate classification (germline): Likely benign (1 of 4 stars; one submission).

Conditions:
Leigh syndrome (NULS). Also called: Leigh's necrotizing encephalopathy; Leigh's disease; Leigh Syndrome (mtDNA deletion); Leigh Disease; Subacute necrotizing encephalopathy; Necrotizing encephalopathy infantile subacute of Leigh. Identifiers: Orphanet 506, MedGen C2931891, MONDO:0009723, OMIM 256000.

Submission:

Wong Mito Lab, Molecular and Human Genetics, Baylor College of Medicine
Classification: Likely benign for Leigh syndrome. Last evaluated: 2019-10-17. Review status: criteria provided, single submitter. Criteria: Modified ACMG Guidelines (Unpublished). Collection method: clinical testing. Allele origin: germline.
Comment: The NC_012920.1:m.5268A>G (YP_003024027.1:p.Ile267Val) variant in MTND2 gene is interpretated to be a Likely Benign variant based on the modified ACMG guidelines (unpublished). This variant meets the following evidence codes: BS1, BP4